The following is an entry in ClinVar:

NM_001283009.2(RTEL1):c.2485C>T (p.Gln829Ter)

Genes: RTEL1 (regulator of telomere elongation helicase 1; plus strand), RTEL1-TNFRSF6B (RTEL1-TNFRSF6B readthrough (NMD candidate); plus strand). Cytogenetic location: 20q13.33.
Variant type: single nucleotide variant.
Coding change: c.2485C>T on transcript NM_001283009.2 (MANE Select); coding-DNA position 2485, C replaced by T.
Protein change: p.Gln829Ter; replaces glutamine 829 with a stop codon.
Molecular consequence: nonsense. On other transcripts: non-coding transcript variant (1).
Genome position (GRCh38, 1-based): chr20:63,690,876, C>T. VCF-style: chr20-63690876-C-T. GRCh37 (hg19) VCF-style: chr20-62322229-C-T.
Other names: c.1816C>T, p.Gln606Ter (NM_001283010.1); c.2485C>T, p.Gln829Ter (NM_016434.4); c.2557C>T, p.Gln853Ter (NM_032957.5); short protein forms Q829*, Q606*, Q853*.
Identifiers: ClinVar variation 935262 (VCV000935262.8), dbSNP rs1278121916, ClinGen allele CA409681618.

ClinVar aggregate classification (germline): Pathogenic (1 of 4 stars; one submission).

Conditions:
Pulmonary fibrosis and/or bone marrow failure, Telomere-related, 3. Also called: PULMONARY FIBROSIS AND/OR BONE MARROW FAILURE SYNDROME, TELOMERE-RELATED, 3. Identifiers: Orphanet 2032, MedGen C4225346, MONDO:0014613, OMIM 616373.
Dyskeratosis congenita, autosomal recessive 5 (DKCB5). Identifiers: MedGen C3554656, MONDO:0014076, OMIM 615190.

Allele frequency attached by ClinVar (database versions not stated): gnomAD exomes below 0.00001.
gnomAD v4.1: 1 of 1,596,948 alleles (0.000063%); highest among the groups gnomAD compares: East Asian, 0.0023%; no homozygotes.

Submission:

Labcorp Genetics (formerly Invitae), Labcorp
Classification: Pathogenic for Dyskeratosis congenita, autosomal recessive 5; Pulmonary fibrosis and/or bone marrow failure, Telomere-related, 3. Last evaluated: 2019-06-19. Review status: criteria provided, single submitter. Criteria: Invitae Variant Classification Sherloc (09022015). Collection method: clinical testing. Allele origin: germline.
Comment: This sequence change creates a premature translational stop signal (p.Gln829*) in the RTEL1 gene. It is expected to result in an absent or disrupted protein product. This variant is not present in population databases (ExAC no frequency). This variant has not been reported in the literature in individuals with RTEL1-related conditions. Algorithms developed to predict the effect of sequence changes on RNA splicing suggest that this variant may create or strengthen a splice site, but this prediction has not been confirmed by published transcriptional studies. Loss-of-function variants in RTEL1 are known to be pathogenic (PMID: 23453664, 23959892, 25607374). For these reasons, this variant has been classified as Pathogenic.

Literature cited by the submitters: PubMed 23453664; PubMed 23959892; PubMed 25607374.